The following is an entry in ClinVar:

ClinVar aggregate classification (germline): Uncertain significance (1 of 4 stars; one submission).

Allele frequency attached by ClinVar (database versions not stated): ExAC 0.00001; gnomAD 0.00002.
gnomAD v4.1: 86 of 1,614,030 alleles (0.0053%); highest among the groups gnomAD compares: Non-Finnish European, 0.0072%; no homozygotes.

Submission:

Women's Health and Genetics/Laboratory Corporation of America, LabCorp
Classification: Uncertain significance. Last evaluated: 2023-10-13. Review status: criteria provided, single submitter. Criteria: LabCorp Variant Classification Summary - May 2015. Collection method: clinical testing. Allele origin: germline.
Comment: Variant summary: ARID2 c.4153G>A (p.Val1385Ile) results in a conservative amino acid change in the encoded protein sequence. Three of five in-silico tools predict a benign effect of the variant on protein function. The variant allele was found at a frequency of 1.6e-05 in 250750 control chromosomes (gnomAD). The available data on variant occurrences in the general population are insufficient to allow any conclusion about variant significance. To our knowledge, no occurrence of c.4153G>A in individuals affected with Coffin-Siris Syndrome 6 and no experimental evidence demonstrating its impact on protein function have been reported. No submitters have cited clinical-significance assessments for this variant to ClinVar after 2014. Based on the evidence outlined above, the variant was classified as uncertain significance.

NM_152641.4(ARID2):c.4153G>A (p.Val1385Ile)

Gene: ARID2 (AT-rich interaction domain 2; plus strand). Cytogenetic location: 12q12.
Variant type: single nucleotide variant.
Coding change: c.4153G>A on transcript NM_152641.4 (MANE Select); coding-DNA position 4153, G replaced by A.
Protein change: p.Val1385Ile; replaces valine 1385 with isoleucine.
Molecular consequence: missense variant.
Genome position (GRCh38, 1-based): chr12:45,852,276, G>A. VCF-style: chr12-45852276-G-A. GRCh37 (hg19) VCF-style: chr12-46246059-G-A.
Other names: c.4153G>A, p.Val1385Ile (NM_001347839.2); short protein forms V1385I.
Identifiers: ClinVar variation 2637735 (VCV002637735.1), dbSNP rs781522138, ClinGen allele CA6526591.